The following is an entry in ClinVar:

NM_002474.3(MYH11):c.1899G>T (p.Lys633Asn)

Gene: MYH11 (myosin heavy chain 11; minus strand). Cytogenetic location: 16p13.11.
Variant type: single nucleotide variant.
Coding change: c.1899G>T on transcript NM_002474.3 (MANE Select); coding-DNA position 1899, G replaced by T.
Protein change: p.Lys633Asn; replaces lysine 633 with asparagine.
Molecular consequence: missense variant.
Genome position (GRCh38, 1-based): chr16:15,750,297, C>A on the plus strand (G>T on the coding strand, the complement: MYH11 is on the minus strand). VCF-style: chr16-15750297-C-A. GRCh37 (hg19) VCF-style: chr16-15844154-C-A.
Other names: c.1920G>T, p.Lys640Asn (NM_001040113.2, NM_001040114.2); c.1899G>T, p.Lys633Asn (NM_022844.3); short protein forms K633N, K640N.
Identifiers: ClinVar variation 2739064 (VCV002739064.3), dbSNP rs2506298212, ClinGen allele CA394869169.

ClinVar aggregate classification (germline): Uncertain significance (1 of 4 stars; one submission).

Conditions:
Aortic aneurysm, familial thoracic 4 (AAT4). Also called: AORTIC ANEURYSM/AORTIC DISSECTION AND PATENT DUCTUS ARTERIOSUS. Identifiers: MedGen C1851504, MONDO:0007568, OMIM 132900.

Allele frequency attached by ClinVar (database versions not stated): gnomAD exomes below 0.00001.
gnomAD v4.1: 1 of 1,612,880 alleles (0.000062%); no homozygotes.

Submission:

Labcorp Genetics (formerly Invitae), Labcorp
Classification: Uncertain significance for Aortic aneurysm, familial thoracic 4. Last evaluated: 2023-07-07. Review status: criteria provided, single submitter. Criteria: Invitae Variant Classification Sherloc (09022015). Collection method: clinical testing. Allele origin: germline.
Comment: This variant has not been reported in the literature in individuals affected with MYH11-related conditions. In summary, the available evidence is currently insufficient to determine the role of this variant in disease. Therefore, it has been classified as a Variant of Uncertain Significance. Advanced modeling of protein sequence and biophysical properties (such as structural, functional, and spatial information, amino acid conservation, physicochemical variation, residue mobility, and thermodynamic stability) performed at Invitae indicates that this missense variant is not expected to disrupt MYH11 protein function. This variant is not present in population databases (gnomAD no frequency). This sequence change replaces lysine, which is basic and polar, with asparagine, which is neutral and polar, at codon 640 of the MYH11 protein (p.Lys640Asn).